The following is an entry in ClinVar:

NM_000235.4(LIPA):c.1024G>T (p.Gly342Trp)

Gene: LIPA (lipase A, lysosomal acid type; minus strand). Cytogenetic location: 10q23.31.
Variant type: single nucleotide variant.
Coding change: c.1024G>T on transcript NM_000235.4 (MANE Select); coding-DNA position 1024, G replaced by T.
Protein change: p.Gly342Trp; replaces glycine 342 with tryptophan.
Molecular consequence: missense variant.
Genome position (GRCh38, 1-based): chr10:89,215,004, C>A on the plus strand (G>T on the coding strand, the complement: LIPA is on the minus strand). VCF-style: chr10-89215004-C-A. GRCh37 (hg19) VCF-style: chr10-90974761-C-A.
Other names: c.1024G>T, p.Gly342Trp (NM_001127605.3); c.676G>T, p.Gly226Trp (NM_001288979.2); short protein forms G342W, G226W.
Identifiers: ClinVar variation 695041 (VCV000695041.2), dbSNP rs776472526, ClinGen allele CA377516312.

ClinVar aggregate classification (germline): Likely pathogenic (1 of 4 stars; one submission).

Conditions:
Lysosomal acid lipase deficiency. Also called: Acid cholesteryl ester hydrolase deficiency, type 2. Identifiers: Orphanet 275761, MedGen C5574740, MONDO:0800449, MONDO:0010204.

Submission:

Alexion, Astrazeneca Rare Disease, Astrazeneca
Classification: Likely pathogenic for Lysosomal acid lipase deficiency. Last evaluated: 2019-06-01. Review status: criteria provided, single submitter. Criteria: ACMG Guidelines, 2015. Collection method: research. Allele origin: germline. Affected: yes.
Comment: ACMG PS3 criterion ascertained by in-vitro functional study, PMID:31180157

Literature cited by the submitters: PubMed 31180157; PubMed 24792990.